The following is an entry in ClinVar:

NM_144573.4(NEXN):c.374G>A (p.Arg125Gln)

Genes: NEXN (nexilin F-actin binding protein; plus strand), LOC126805765 (BRD4-independent group 4 enhancer GRCh37_chr1:78383688-78384887; plus strand). Cytogenetic location: 1p31.1.
Variant type: single nucleotide variant.
Coding change: c.374G>A on transcript NM_144573.4 (MANE Select); coding-DNA position 374, G replaced by A.
Protein change: p.Arg125Gln; replaces arginine 125 with glutamine.
Molecular consequence: missense variant.
Genome position (GRCh38, 1-based): chr1:77,918,200, G>A. VCF-style: chr1-77918200-G-A. GRCh37 (hg19) VCF-style: chr1-78383885-G-A.
Other names: c.182G>A, p.Arg61Gln (NM_001172309.2); short protein forms R125Q, R61Q.
Identifiers: ClinVar variation 519167 (VCV000519167.6), dbSNP rs747265816, ClinGen allele CA918628.

ClinVar aggregate classification (germline): Uncertain significance. Review status: criteria provided, multiple submitters, no conflicts (2 of 4 stars). 2 submissions from 2 submitters: Uncertain significance (2). Last evaluated 2025-05-23.

Conditions:
Cardiovascular phenotype. Identifiers: MedGen CN230736.

Allele frequency attached by ClinVar (database versions not stated): gnomAD exomes below 0.00001; ExAC 0.00001.
gnomAD v4.1: 4 of 1,614,082 alleles (0.00025%); highest among the groups gnomAD compares: African/African-American, 0.0013%; no homozygotes.

Submissions (2):

GeneDx
Classification: Uncertain significance. Last evaluated: 2025-05-23. Review status: criteria provided, single submitter. Criteria: GeneDx Variant Classification Process June 2021. Collection method: clinical testing. Allele origin: germline. Affected: yes.
Comment: Not observed at significant frequency in large population cohorts (gnomAD); In silico analysis suggests that this missense variant does not alter protein structure/function; Has not been previously published as pathogenic or benign to our knowledge

Ambry Genetics
Classification: Uncertain significance for Cardiovascular phenotype. Last evaluated: 2017-05-25. Review status: criteria provided, single submitter. Criteria: Ambry Variant Classification Scheme 2023. Collection method: clinical testing. Allele origin: germline.
Comment: The p.R125Q variant (also known as c.374G>A), located in coding exon 4 of the NEXN gene, results from a G to A substitution at nucleotide position 374. The arginine at codon 125 is replaced by glutamine, an amino acid with highly similar properties. This amino acid position is highly conserved in available vertebrate species. In addition, the in silico prediction for this alteration is inconclusive. Since supporting evidence is limited at this time, the clinical significance of this alteration remains unclear.